The following is an entry in ClinVar:

ClinVar aggregate classification (germline): Uncertain significance (1 of 4 stars; one submission).

Conditions:
Sitosterolemia (STSL). Also called: PHYTOSTEROLEMIA. Identifiers: Orphanet 2882, MedGen C0342907, MONDO:0008863.

Allele frequency attached by ClinVar (database versions not stated): gnomAD exomes 0.00001; gnomAD 0.00003; TOPMed 0.00003.
gnomAD v4.1: 17 of 1,614,024 alleles (0.0011%); highest among the groups gnomAD compares: African/African-American, 0.0013%; no homozygotes.

Submission:

Labcorp Genetics (formerly Invitae), Labcorp
Classification: Uncertain significance for Sitosterolemia. Last evaluated: 2022-06-05. Review status: criteria provided, single submitter. Criteria: Invitae Variant Classification Sherloc (09022015). Collection method: clinical testing. Allele origin: germline.
Comment: This sequence change replaces tryptophan, which is neutral and slightly polar, with arginine, which is basic and polar, at codon 488 of the ABCG5 protein (p.Trp488Arg). This variant is present in population databases (no rsID available, gnomAD 0.01%). This variant has not been reported in the literature in individuals affected with ABCG5-related conditions. ClinVar contains an entry for this variant (Variation ID: 1500804). Algorithms developed to predict the effect of missense changes on protein structure and function are either unavailable or do not agree on the potential impact of this missense change (SIFT: "Deleterious"; PolyPhen-2: "Probably Damaging"; Align-GVGD: "Class C0"). In summary, the available evidence is currently insufficient to determine the role of this variant in disease. Therefore, it has been classified as a Variant of Uncertain Significance.

NM_022436.3(ABCG5):c.1462T>C (p.Trp488Arg)

Genes: ABCG5 (ATP binding cassette subfamily G member 5; minus strand), DYNC2LI1 (dynein cytoplasmic 2 light intermediate chain 1; plus strand). Cytogenetic location: 2p21.
Variant type: single nucleotide variant.
Coding change: c.1462T>C on transcript NM_022436.3 (MANE Select); coding-DNA position 1462, T replaced by C.
Protein change: p.Trp488Arg; replaces tryptophan 488 with arginine.
Molecular consequence: missense variant. On other transcripts: intron variant (2).
Genome position (GRCh38, 1-based): chr2:43,822,798, A>G on the plus strand (T>C on the coding strand, the complement: ABCG5 is on the minus strand). VCF-style: chr2-43822798-A-G. GRCh37 (hg19) VCF-style: chr2-44049937-A-G.
Other names: c.*16-4588A>G (NM_001348913.2, NM_001348912.2); short protein forms W488R.
Identifiers: ClinVar variation 1500804 (VCV001500804.4), dbSNP rs1299933608, ClinGen allele CA346663731.